The following is an entry in ClinVar:

NM_005676.5(RBM10):c.698del (p.Cys233fs)

Genes: RBM10 (RNA binding motif protein 10; plus strand), LOC126863252 (CDK7 strongly-dependent group 2 enhancer GRCh37_chrX:47037923-47039122; plus strand). Cytogenetic location: Xp11.3.
Variant type: Deletion.
Coding change: c.698del on transcript NM_005676.5 (MANE Select); coding-DNA position 698, one base deleted (G; older notation c.698delG).
Protein change: p.Cys233fs; shifts the reading frame from cysteine 233.
Molecular consequence: frameshift variant.
Genome position (GRCh38, 1-based): chrX:47,179,137, G deleted. VCF-style (leftmost placement, unchanged base first): chrX-47179136-TG-T. GRCh37 (hg19) VCF-style: chrX-47038535-TG-T.
Other names: c.467del, p.Cys156fs (NM_001204466.2, NM_152856.3); c.698del, p.Cys233fs (NM_001204467.2); c.893del, p.Cys298fs (NM_001204468.2); short protein forms C156fs, C233fs, C298fs.
Identifiers: ClinVar variation 818058 (VCV000818058.1), dbSNP rs1602582207, ClinGen allele CA915950986.

ClinVar aggregate classification (germline): Pathogenic (1 of 4 stars; one submission).

Submission:

GeneDx
Classification: Pathogenic. Last evaluated: 2019-03-11. Review status: criteria provided, single submitter. Criteria: GeneDx Variant Classification (06012015). Collection method: clinical testing. Allele origin: germline. Affected: yes.
Comment: The c.698delG variant in the RBM10 gene has not been reported previously as a pathogenic variant nor as a benign variant, to our knowledge. This variant causes a frameshift starting with codon Cystine 233, changes this amino acid to a Serine residue, and creates a premature Stop codon at position 33 of the new reading frame, denoted p.Cys233SerfsX33. This variant is predicted to cause loss of normal protein function either through protein truncation or nonsense-mediated mRNA decay. The c.698delG variant is not observed in large population cohorts (Lek et al., 2016). We interpret c.698delG as a pathogenic variant.